The following is an entry in ClinVar:

NM_001386795.1(DTNA):c.2228G>A (p.Arg743Gln)

Gene: DTNA (dystrobrevin alpha; plus strand). Cytogenetic location: 18q12.1.
Variant type: single nucleotide variant.
Coding change: c.2228G>A on transcript NM_001386795.1 (MANE Select); coding-DNA position 2228, G replaced by A.
Protein change: p.Arg743Gln; replaces arginine 743 with glutamine.
Molecular consequence: missense variant.
Genome position (GRCh38, 1-based): chr18:34,882,134, G>A. VCF-style: chr18-34882134-G-A. GRCh37 (hg19) VCF-style: chr18-32462098-G-A.
Other names: c.1967G>A, p.Arg656Gln (NM_001198938.2, NM_001198940.2, NM_001386753.1 and 5 more transcripts); c.1988G>A, p.Arg663Gln (NM_001198939.2); c.1274G>A, p.Arg425Gln (NM_001198942.1); c.1217G>A, p.Arg406Gln (NM_001198943.1); c.1103G>A, p.Arg368Gln (NM_001198944.1); c.2057G>A, p.Arg686Gln (NM_001386754.1, NM_001386755.1, NM_001386756.1 and 3 more transcripts); c.2054G>A, p.Arg685Gln (NM_001386760.1); c.1976G>A, p.Arg659Gln (NM_001386761.1, NM_032975.4); and 5 more; short protein forms R659Q, R716Q, R406Q, R425Q, R663Q, R364Q, R368Q, R656Q.
Identifiers: ClinVar variation 423791 (VCV000423791.5), dbSNP rs371303988, ClinGen allele CA8935970.

ClinVar aggregate classification (germline): Uncertain significance. Review status: criteria provided, multiple submitters, no conflicts (2 of 4 stars). 2 submissions from 2 submitters: Uncertain significance (2). Last evaluated 2024-05-08.

Conditions:
Left ventricular noncompaction 1 (LVNC1). Also called: LEFT VENTRICULAR NONCOMPACTION 1 WITH OR WITHOUT CONGENITAL HEART DEFECTS. Identifiers: Orphanet 54260, MedGen C1858725, MONDO:0011403, OMIM 604169.

Allele frequency attached by ClinVar (database versions not stated): gnomAD 0.00001; gnomAD exomes 0.00001 and 0.00002; TOPMed 0.00002; ExAC 0.00003; ESP Exome Variant Server 0.00008.
gnomAD v4.1: 17 of 1,613,900 alleles (0.0011%); highest among the groups gnomAD compares: African/African-American, 0.0053%; no homozygotes.

Submissions (2):

Labcorp Genetics (formerly Invitae), Labcorp
Classification: Uncertain significance for Left ventricular noncompaction 1. Last evaluated: 2024-05-08. Review status: criteria provided, single submitter. Criteria: Invitae Variant Classification Sherloc (09022015). Collection method: clinical testing. Allele origin: germline.
Comment: This sequence change replaces arginine, which is basic and polar, with glutamine, which is neutral and polar, at codon 716 of the DTNA protein (p.Arg716Gln). The frequency data for this variant in the population databases is considered unreliable, as metrics indicate poor data quality at this position in the gnomAD database. This variant has not been reported in the literature in individuals affected with DTNA-related conditions. ClinVar contains an entry for this variant (Variation ID: 423791). Algorithms developed to predict the effect of missense changes on protein structure and function output the following: SIFT: "Not Available"; PolyPhen-2: "Benign"; Align-GVGD: "Not Available". The glutamine amino acid residue is found in multiple mammalian species, which suggests that this missense change does not adversely affect protein function. In summary, the available evidence is currently insufficient to determine the role of this variant in disease. Therefore, it has been classified as a Variant of Uncertain Significance.

GeneDx
Classification: Uncertain significance. Last evaluated: 2017-02-27. Review status: criteria provided, single submitter. Criteria: GeneDx Variant Classification (06012015). Collection method: clinical testing. Allele origin: germline. Affected: yes.
Comment: A variant of uncertain significance has been identified in the DTNA gene. The R716Q variant has not been published as pathogenic or been reported as benign to our knowledge. Additionally, this variant is not observed at a significant frequency in large population cohorts (Lek et al., 2016; 1000 Genomes Consortium et al., 2015; Exome Variant Server). The R716Q variant is a semi-conservative amino acid substitution, which may impact secondary protein structure as these residues differ in some properties. However, while this substitution occurs at a position that is conserved in mammals, Glutamine is the wild-type residue at this position in one mammalian species. Furthermore, in silico analysis is inconsistent in its predictions as to whether or not the variant is damaging to the protein structure/function.